The following is an entry in ClinVar:

NM_012338.4(TSPAN12):c.878C>T (p.Ala293Val)

Gene: TSPAN12 (tetraspanin 12; minus strand). Cytogenetic location: 7q31.31.
Variant type: single nucleotide variant.
Coding change: c.878C>T on transcript NM_012338.4 (MANE Select); coding-DNA position 878, C replaced by T.
Protein change: p.Ala293Val; replaces alanine 293 with valine.
Molecular consequence: missense variant.
Genome position (GRCh38, 1-based): chr7:120,788,632, G>A on the plus strand (C>T on the coding strand, the complement: TSPAN12 is on the minus strand). VCF-style: chr7-120788632-G-A. GRCh37 (hg19) VCF-style: chr7-120428686-G-A.
Other names: short protein forms A293V.
Identifiers: ClinVar variation 4192524 (VCV004192524.3).
Genomic context (GRCh38, chr7:120,788,632, plus strand): 5'-TTCTTCTGTGACATTTCTTTTTATAACTCCTCCATCTCAAAGTGTGTATTAAAGCTGTTT[G>A]CCATGGATGTGTGTTCAAAGATTCTTGACAGGCTTGGTTTCAACAGTTCTACTGAGGGAC-3'
Protein context (NP_036470.1, residues 283-303): LSRIFEHTSM[Ala293Val]NSFNTHFEME

ClinVar aggregate classification (germline): Uncertain significance. Review status: criteria provided, multiple submitters, no conflicts (2 of 4 stars). 3 submissions from 3 submitters: Uncertain significance (3). Last evaluated 2026-01-07.

Conditions:
Inborn genetic diseases. Identifiers: MedGen C0950123, MeSH D030342.

gnomAD v4.1: 34 of 1,613,972 alleles (0.0021%); highest among the groups gnomAD compares: Non-Finnish European, 0.0029%; no homozygotes.

Submissions (3):

Labcorp Genetics (formerly Invitae), Labcorp
Classification: Uncertain significance. Last evaluated: 2026-01-07. Review status: criteria provided, single submitter. Criteria: Invitae Variant Classification Sherloc (09022015). Collection method: clinical testing. Allele origin: germline.
Comment: This sequence change replaces alanine, which is neutral and non-polar, with valine, which is neutral and non-polar, at codon 293 of the TSPAN12 protein (p.Ala293Val). This variant is present in population databases (rs138647595, gnomAD 0.002%). This variant has not been reported in the literature in individuals affected with TSPAN12-related conditions. ClinVar contains an entry for this variant (Variation ID: 4192524). An algorithm developed to predict the effect of missense changes on protein structure and function (PolyPhen-2) suggests that this variant is likely to be tolerated. Algorithms developed to predict the effect of sequence changes on RNA splicing suggest that this variant may create or strengthen a splice site. In summary, the available evidence is currently insufficient to determine the role of this variant in disease. Therefore, it has been classified as a Variant of Uncertain Significance.

Ambry Genetics
Classification: Uncertain significance for Inborn genetic diseases. Last evaluated: 2025-08-04. Review status: criteria provided, single submitter. Criteria: Ambry Variant Classification Scheme 2023. Collection method: clinical testing. Allele origin: germline.

Blueprint Genetics
Classification: Uncertain significance. Last evaluated: 2021-11-17. Review status: criteria provided, single submitter. Criteria: ACMG Guidelines, 2015. Collection method: clinical testing. Allele origin: germline.